The following is an entry in ClinVar:

ClinVar aggregate classification (germline): Pathogenic (1 of 4 stars; one submission).

Submission:

Labcorp Genetics (formerly Invitae), Labcorp
Classification: Pathogenic. Last evaluated: 2023-08-28. Review status: criteria provided, single submitter. Criteria: Invitae Variant Classification Sherloc (09022015). Collection method: clinical testing. Allele origin: germline.
Comment: This sequence change creates a premature translational stop signal (p.Trp1061*) in the OTOGL gene. It is expected to result in an absent or disrupted protein product. Loss-of-function variants in OTOGL are known to be pathogenic (PMID: 23122586). For these reasons, this variant has been classified as Pathogenic. ClinVar contains an entry for this variant (Variation ID: 1424442). This variant has not been reported in the literature in individuals affected with OTOGL-related conditions. This variant is not present in population databases (gnomAD no frequency).

Literature cited by the submitters: PubMed 23122586.

NM_001378609.3(OTOGL):c.3210G>A (p.Trp1070Ter)

Gene: OTOGL (otogelin like; plus strand). Cytogenetic location: 12q21.31.
Variant type: single nucleotide variant.
Coding change: c.3210G>A on transcript NM_001378609.3 (MANE Select); coding-DNA position 3210, G replaced by A.
Protein change: p.Trp1070Ter; replaces tryptophan 1070 with a stop codon.
Molecular consequence: nonsense.
Genome position (GRCh38, 1-based): chr12:80,302,780, G>A. VCF-style: chr12-80302780-G-A. GRCh37 (hg19) VCF-style: chr12-80696560-G-A.
Other names: c.3075G>A, p.Trp1025Ter (NM_001368062.3); c.3210G>A, p.Trp1070Ter (NM_001378610.3, NM_173591.7); short protein forms W1070*, W1025*.
Identifiers: ClinVar variation 1424442 (VCV001424442.6), dbSNP rs2137738321, ClinGen allele CA385860123.